The following is an entry in ClinVar:

NM_000540.3(RYR1):c.13058del (p.Gly4353fs)

Gene: RYR1 (ryanodine receptor 1; plus strand). Cytogenetic location: 19q13.2.
Variant type: Deletion.
Coding change: c.13058del on transcript NM_000540.3 (MANE Select); coding-DNA position 13058, one base deleted (G; older notation c.13058delG).
Protein change: p.Gly4353fs; shifts the reading frame from glycine 4353.
Molecular consequence: frameshift variant.
Genome position (GRCh38, 1-based): chr19:38,565,392, G deleted; the last of 3 consecutive G bases (chr19:38,565,390-38,565,392); deleting any one gives the same sequence. VCF-style (leftmost placement, unchanged base first): chr19-38565389-CG-C. GRCh37 (hg19) VCF-style: chr19-39056029-CG-C.
Other names: c.13058delG (NM_000540.2); c.13043del, p.Gly4348fs (NM_001042723.2); short protein forms G4353fs, G4348fs.
Identifiers: ClinVar variation 654424 (VCV000654424.7), dbSNP rs1447188345, ClinGen allele CA882058936.

ClinVar aggregate classification (germline): Pathogenic. Review status: criteria provided, multiple submitters, no conflicts (2 of 4 stars). 2 submissions from 2 submitters: Pathogenic (2). Last evaluated 2026-07-01.

Conditions:
RYR1-related disorder. Also called: RYR1-related disorders; RYR1-related condition. Identifiers: MedGen CN239331.

Submissions (2):

CeGaT Center for Human Genetics Tuebingen
Classification: Pathogenic. Last evaluated: 2026-07-01. Review status: criteria provided, single submitter. Criteria: CeGaT Center For Human Genetics Tuebingen Variant Classification Criteria Version 2. Collection method: clinical testing. Allele origin: germline. Affected: yes. Observed: 1 variant allele.
Comment: RYR1: PVS1, PM2

Labcorp Genetics (formerly Invitae), Labcorp
Classification: Pathogenic for RYR1-related disorder. Last evaluated: 2024-11-05. Review status: criteria provided, single submitter. Criteria: Invitae Variant Classification Sherloc (09022015). Collection method: clinical testing. Allele origin: germline.
Comment: This sequence change creates a premature translational stop signal (p.Gly4353Alafs*22) in the RYR1 gene. It is expected to result in an absent or disrupted protein product. Loss-of-function variants in RYR1 are known to be pathogenic (PMID: 23919265, 25960145, 28818389, 30611313). This variant is not present in population databases (gnomAD no frequency). This variant has not been reported in the literature in individuals affected with RYR1-related conditions. ClinVar contains an entry for this variant (Variation ID: 654424). For these reasons, this variant has been classified as Pathogenic.

Literature cited by the submitters: PubMed 23919265 (cited by Labcorp Genetics (formerly Invitae), Labcorp); PubMed 25960145 (cited by Labcorp Genetics (formerly Invitae), Labcorp); PubMed 28818389 (cited by Labcorp Genetics (formerly Invitae), Labcorp); PubMed 30611313 (cited by Labcorp Genetics (formerly Invitae), Labcorp).